The following is an entry in ClinVar:

NM_000478.6(ALPL):c.267G>A (p.Met89Ile)

Gene: ALPL (alkaline phosphatase, biomineralization associated; plus strand). Cytogenetic location: 1p36.12.
Variant type: single nucleotide variant.
Coding change: c.267G>A on transcript NM_000478.6 (MANE Select); coding-DNA position 267, G replaced by A.
Protein change: p.Met89Ile; replaces methionine 89 with isoleucine.
Molecular consequence: missense variant. On other transcripts: intron variant (1).
Genome position (GRCh38, 1-based): chr1:21,561,182, G>A. VCF-style: chr1-21561182-G-A. GRCh37 (hg19) VCF-style: chr1-21887675-G-A.
Other names: c.102G>A, p.Met34Ile (NM_001127501.4); c.267G>A, p.Met89Ile (NM_001369803.2, NM_001369804.2, NM_001369805.2); c.66+437G>A (NM_001177520.3); short protein forms M34I, M89I.
Identifiers: ClinVar variation 3358743 (VCV003358743.1).

ClinVar aggregate classification (germline): Uncertain significance (0 of 4 stars; one submission).

Conditions:
ALPL-related disorder. Also called: ALPL-related condition; ALPL-related disorders.

gnomAD v4.1: 13 of 1,613,086 alleles (0.00081%); highest among the groups gnomAD compares: Non-Finnish European, 0.00017%; no homozygotes.

Submission:

PreventionGenetics, part of Exact Sciences
Classification: Uncertain significance for ALPL-related condition. Last evaluated: 2024-07-31. Review status: no assertion criteria provided. Collection method: clinical testing. Allele origin: germline.
Comment: The ALPL c.267G>A variant is predicted to result in the amino acid substitution p.Met89Ile. To our knowledge, this variant has not been reported in the literature. This variant is reported in 0.016% of alleles in individuals of European (Finnish) descent in gnomAD. At this time, the clinical significance of this variant is uncertain due to the absence of conclusive functional and genetic evidence.